The following is an entry in ClinVar:

ClinVar aggregate classification (germline): Uncertain significance (1 of 4 stars; one submission).

gnomAD v4.1: 4 of 1,611,030 alleles (0.00025%); highest among the groups gnomAD compares: Admixed American, 0.005%; no homozygotes.

Submission:

GeneDx
Classification: Uncertain significance. Last evaluated: 2024-09-16. Review status: criteria provided, single submitter. Criteria: GeneDx Variant Classification Process June 2021. Collection method: clinical testing. Allele origin: germline. Affected: yes.
Comment: Not observed at significant frequency in large population cohorts (gnomAD); Missense variant in a gene in which most reported pathogenic variants are truncating/loss of function; Has not been previously published as pathogenic or benign to our knowledge

NM_001267550.2(TTN):c.46456C>T (p.Pro15486Ser)

Genes: TTN (titin; minus strand), TTN-AS1 (TTN antisense RNA 1; plus strand). Cytogenetic location: 2q31.2.
Variant type: single nucleotide variant.
Coding change: c.46456C>T on transcript NM_001267550.2 (MANE Select); coding-DNA position 46456, C replaced by T.
Protein change: p.Pro15486Ser; replaces proline 15486 with serine.
Molecular consequence: missense variant. On other transcripts: non-coding transcript variant (1).
Genome position (GRCh38, 1-based): chr2:178,619,861, G>A on the plus strand (C>T on the coding strand, the complement: TTN is on the minus strand). VCF-style: chr2-178619861-G-A. GRCh37 (hg19) VCF-style: chr2-179484588-G-A.
Other names: c.41533C>T, p.Pro13845Ser (NM_001256850.1); c.19261C>T, p.Pro6421Ser (NM_003319.4); c.38752C>T, p.Pro12918Ser (NM_133378.4); c.19636C>T, p.Pro6546Ser (NM_133432.3); c.19837C>T, p.Pro6613Ser (NM_133437.4); short protein forms P12918S, P13845S, P15486S, P6421S, P6546S, P6613S.
Identifiers: ClinVar variation 3770130 (VCV003770130.1).